The following is an entry in ClinVar:

ClinVar aggregate classification (germline): Uncertain significance (1 of 4 stars; one submission).

Conditions:
Gastrointestinal stromal tumor. Also called: Gastrointestinal stromal tumor, somatic; Gastrointestinal stroma tumor. Identifiers: Orphanet 44890, MedGen C0238198, MeSH D046152, MONDO:0011719, OMIM 606764, HP:0100723.

Submission:

Labcorp Genetics (formerly Invitae), Labcorp
Classification: Uncertain significance for Gastrointestinal stromal tumor. Last evaluated: 2025-01-08. Review status: criteria provided, single submitter. Criteria: Invitae Variant Classification Sherloc (09022015). Collection method: clinical testing. Allele origin: germline.
Comment: This sequence change replaces asparagine, which is neutral and polar, with lysine, which is basic and polar, at codon 268 of the KIT protein (p.Asn268Lys). This variant is not present in population databases (gnomAD no frequency). This variant has not been reported in the literature in individuals affected with KIT-related conditions. ClinVar contains an entry for this variant (Variation ID: 2842092). An algorithm developed to predict the effect of missense changes on protein structure and function (PolyPhen-2) suggests that this variant is likely to be tolerated. In summary, the available evidence is currently insufficient to determine the role of this variant in disease. Therefore, it has been classified as a Variant of Uncertain Significance.

NM_000222.3(KIT):c.804T>G (p.Asn268Lys)

Gene: KIT (KIT proto-oncogene, receptor tyrosine kinase; plus strand). Cytogenetic location: 4q12.
Variant type: single nucleotide variant.
Coding change: c.804T>G on transcript NM_000222.3 (MANE Select); coding-DNA position 804, T replaced by G.
Protein change: p.Asn268Lys; replaces asparagine 268 with lysine.
Molecular consequence: missense variant.
Genome position (GRCh38, 1-based): chr4:54,703,771, T>G. VCF-style: chr4-54703771-T-G. GRCh37 (hg19) VCF-style: chr4-55569937-T-G.
Other names: c.804T>G, p.Asn268Lys (NM_001093772.2, NM_001385285.1, NM_001385286.1); c.807T>G, p.Asn269Lys (NM_001385284.1, NM_001385288.1, NM_001385290.1 and 1 more transcripts); short protein forms N269K, N268K.
Identifiers: ClinVar variation 2842092 (VCV002842092.3), dbSNP rs1720604075, ClinGen allele CA356899519.
Genomic context (GRCh38, chr4:54,703,771, plus strand): 5'-CTGAAACCAGCAGACTAAACTACAGGAGAAATATAATAGCTGGCATCACGGTGACTTCAA[T>G]TATGAACGTCAGGCAACGTTGACTATCAGTTCAGCGAGAGTTAATGATTCTGGAGTGTTC-3'
Protein context (NP_000213.1, residues 258-278): KYNSWHHGDF[Asn268Lys]YERQATLTIS